The following is an entry in ClinVar:

NM_148919.4(PSMB8):c.108_118del (p.Met37fs)

Gene: PSMB8 (proteasome 20S subunit beta 8; minus strand). Cytogenetic location: 6p21.32.
Variant type: Deletion.
Coding change: c.108_118del on transcript NM_148919.4 (MANE Select); coding-DNA positions 108 to 118, 11 bases deleted (TATGCGATCTC).
Protein change: p.Met37fs; shifts the reading frame from methionine 37.
Molecular consequence: frameshift variant. On other transcripts: intron variant (1).
Genome position (GRCh38, 1-based): chr6:32,843,879-32,843,889, GAGATCGCATA deleted on the plus strand (TATGCGATCTC on the coding strand, the reverse complement: PSMB8 is on the minus strand); deleting any 11 consecutive bases within chr6:32,843,879-32,843,893 gives the same sequence; the c. name uses the placement nearest the transcript's 3' end. VCF-style (leftmost placement, unchanged base first): chr6-32843878-GGAGATCGCATA-G. GRCh37 (hg19) VCF-style: chr6-32811655-GGAGATCGCATA-G.
Other names: c.135+390_135+400del (NM_004159.5); short protein forms M37fs.
Identifiers: ClinVar variation 2818532 (VCV002818532.3), dbSNP rs2483096056, ClinGen allele CA2739272904.

ClinVar aggregate classification (germline): Pathogenic (1 of 4 stars; one submission).

Conditions:
Proteosome-associated autoinflammatory syndrome. Also called: Proteasome-associated autoinflammatory syndrome. Identifiers: Orphanet 324977, MedGen C1850568, MONDO:0009726.

Submission:

Labcorp Genetics (formerly Invitae), Labcorp
Classification: Pathogenic for Proteosome-associated autoinflammatory syndrome. Last evaluated: 2022-12-04. Review status: criteria provided, single submitter. Criteria: Invitae Variant Classification Sherloc (09022015). Collection method: clinical testing. Allele origin: germline.
Comment: This variant is not present in population databases (gnomAD no frequency). This sequence change creates a premature translational stop signal (p.Met37Argfs*28) in the PSMB8 gene. It is expected to result in an absent or disrupted protein product. Loss-of-function variants in PSMB8 are known to be pathogenic (PMID: 26524591). This variant has not been reported in the literature in individuals affected with PSMB8-related conditions. For these reasons, this variant has been classified as Pathogenic.

Literature cited by the submitters: PubMed 26524591.